The following is an entry in ClinVar:

ClinVar aggregate classification (germline): Benign/Likely benign. Review status: criteria provided, multiple submitters, no conflicts (2 of 4 stars). 4 submissions from 4 submitters: Benign (1); Likely benign (2). 1 of the submissions does not count toward it. Last evaluated 2025-09-13.

Conditions:
CYLD-related disorder. Also called: CYLD-related condition.

Allele frequency attached by ClinVar (database versions not stated): gnomAD exomes 0.00008 and 0.00020; ExAC 0.00029; 1000 Genomes Project 30x 0.00047; 1000 Genomes Project 0.00060; ESP Exome Variant Server 0.00073; gnomAD 0.00101 and 0.00107; TOPMed 0.00102.
gnomAD v4.1: 287 of 1,614,064 alleles (0.018%); highest among the groups gnomAD compares: African/African-American, 0.33%; 2 homozygotes.

Submissions (4):

Labcorp Genetics (formerly Invitae), Labcorp
Classification: Benign. Last evaluated: 2025-09-13. Review status: criteria provided, single submitter. Criteria: Invitae Variant Classification Sherloc (09022015). Collection method: clinical testing. Allele origin: germline.

Blueprint Genetics
Classification: Likely benign. Last evaluated: 2022-04-20. Review status: criteria provided, single submitter. Criteria: ACMG Guidelines, 2015. Collection method: clinical testing. Allele origin: germline.

GeneDx
Classification: Likely benign. Last evaluated: 2021-06-23. Review status: criteria provided, single submitter. Criteria: GeneDx Variant Classification Process June 2021. Collection method: clinical testing. Allele origin: germline. Affected: yes.

PreventionGenetics, part of Exact Sciences
Classification: Likely benign for CYLD-related condition. Last evaluated: 2022-04-08. Review status: no assertion criteria provided. Collection method: clinical testing. Allele origin: germline. Not counted in ClinVar's aggregate classification.
Comment: This variant is classified as likely benign based on ACMG/AMP sequence variant interpretation guidelines (Richards et al. 2015 PMID: 25741868, with internal and published modifications).

NM_001378743.1(CYLD):c.1356A>G (p.Ala452=)

Gene: CYLD (CYLD lysine 63 deubiquitinase; plus strand). Cytogenetic location: 16q12.1.
Variant type: single nucleotide variant.
Coding change: c.1356A>G on transcript NM_001378743.1 (MANE Select); coding-DNA position 1356, A replaced by G.
Protein change: p.Ala452=; no amino-acid change (alanine 452 retained).
Molecular consequence: synonymous variant. On other transcripts: non-coding transcript variant (1).
Genome position (GRCh38, 1-based): chr16:50,779,882, A>G. VCF-style: chr16-50779882-A-G. GRCh37 (hg19) VCF-style: chr16-50813793-A-G.
Other names: c.1347A>G, p.Ala449= (NM_001042355.2, NM_001042412.3, NM_001378744.1 and 6 more transcripts); c.1317A>G, p.Ala439= (NM_001378751.1, NM_001378752.1, NM_001378753.1); c.681A>G, p.Ala227= (NM_001378754.1, NM_001378755.1); c.1356A>G, p.Ala452= (NM_015247.3).
Identifiers: ClinVar variation 1329672 (VCV001329672.6), dbSNP rs200886685, ClinGen allele CA8052388.